The following is an entry in ClinVar:

NM_001267550.2(TTN):c.73995G>A (p.Thr24665=)

Genes: TTN (titin; minus strand), TTN-AS1 (TTN antisense RNA 1; plus strand). Cytogenetic location: 2q31.2.
Variant type: single nucleotide variant.
Coding change: c.73995G>A on transcript NM_001267550.2 (MANE Select); coding-DNA position 73995, G replaced by A.
Protein change: p.Thr24665=; no amino-acid change (threonine 24665 retained).
Molecular consequence: synonymous variant.
Genome position (GRCh38, 1-based): chr2:178,572,137, C>T on the plus strand (G>A on the coding strand, the complement: TTN is on the minus strand). VCF-style: chr2-178572137-C-T. GRCh37 (hg19) VCF-style: chr2-179436864-C-T.
Other names: c.69072G>A, p.Thr23024= (NM_001256850.1); c.46800G>A, p.Thr15600= (NM_003319.4); c.66291G>A, p.Thr22097= (NM_133378.4); c.47175G>A, p.Thr15725= (NM_133432.3); c.47376G>A, p.Thr15792= (NM_133437.4).
Identifiers: ClinVar variation 915555 (VCV000915555.16), dbSNP rs369122344, ClinGen allele CA1990281.

ClinVar aggregate classification (germline): Likely benign. Review status: criteria provided, multiple submitters, no conflicts (2 of 4 stars). 5 submissions from 5 submitters: Likely benign (4). 1 of the submissions does not count toward it. Last evaluated 2025-12-09.

Conditions:
Autosomal recessive limb-girdle muscular dystrophy type 2J (LGMDR10). Also called: Limb-girdle muscular dystrophy, type 2J; MUSCULAR DYSTROPHY, LIMB-GIRDLE, AUTOSOMAL RECESSIVE 10. Identifiers: Orphanet 140922, MedGen C1837342, MONDO:0012127, OMIM 608807.
Dilated cardiomyopathy 1G (CMD1G). Identifiers: Orphanet 154, MedGen C1858763, MONDO:0011400, OMIM 604145.
Cardiomyopathy (CMYO). Also called: Cardiomyopathies. Identifiers: Orphanet 167848, MedGen C0878544, MONDO:0004994, HP:0001638. Inheritance: Various modes of inheritance.
TTN-related disorder. Also called: TTN-related condition; TTN-related disease; TTN-related disorders.
Cardiovascular phenotype. Identifiers: MedGen CN230736.

Allele frequency attached by ClinVar (database versions not stated): ExAC 0.00002; gnomAD exomes 0.00002; TOPMed 0.00002; ESP Exome Variant Server 0.00008.
gnomAD v4.1: 41 of 1,613,202 alleles (0.0025%); highest among the groups gnomAD compares: South Asian, 0.0044%; no homozygotes.

Submissions (5):

Labcorp Genetics (formerly Invitae), Labcorp
Classification: Likely benign for Dilated cardiomyopathy 1G; Autosomal recessive limb-girdle muscular dystrophy type 2J. Last evaluated: 2025-12-09. Review status: criteria provided, single submitter. Criteria: Invitae Variant Classification Sherloc (09022015). Collection method: clinical testing. Allele origin: germline.

Ambry Genetics
Classification: Likely benign for Cardiovascular phenotype. Last evaluated: 2022-04-11. Review status: criteria provided, single submitter. Criteria: Ambry Variant Classification Scheme 2023. Collection method: clinical testing. Allele origin: germline.

GeneDx
Classification: Likely benign. Last evaluated: 2019-11-05. Review status: criteria provided, single submitter. Criteria: GeneDx Variant Classification Process June 2021. Collection method: clinical testing. Allele origin: germline. Affected: yes.

CHEO Genetics Diagnostic Laboratory, Children's Hospital of Eastern Ontario
Classification: Likely benign for Cardiomyopathy. Last evaluated: 2018-01-29. Review status: criteria provided, single submitter. Criteria: ACMG Guidelines, 2015. Collection method: clinical testing. Allele origin: germline.

PreventionGenetics, part of Exact Sciences
Classification: Likely benign for TTN-related condition. Last evaluated: 2022-09-19. Review status: no assertion criteria provided. Collection method: clinical testing. Allele origin: germline. Not counted in ClinVar's aggregate classification.
Comment: This variant is classified as likely benign based on ACMG/AMP sequence variant interpretation guidelines (Richards et al. 2015 PMID: 25741868, with internal and published modifications).